The following is an entry in ClinVar:

NM_004369.4(COL6A3):c.3449A>T (p.Asn1150Ile)

Gene: COL6A3 (collagen type VI alpha 3 chain; minus strand). Cytogenetic location: 2q37.3.
Variant type: single nucleotide variant.
Coding change: c.3449A>T on transcript NM_004369.4 (MANE Select); coding-DNA position 3449, A replaced by T.
Protein change: p.Asn1150Ile; replaces asparagine 1150 with isoleucine.
Molecular consequence: missense variant.
Genome position (GRCh38, 1-based): chr2:237,374,642, T>A on the plus strand (A>T on the coding strand, the complement: COL6A3 is on the minus strand). VCF-style: chr2-237374642-T-A. GRCh37 (hg19) VCF-style: chr2-238283285-T-A.
Other names: c.2228A>T, p.Asn743Ile (NM_057164.5); c.2831A>T, p.Asn944Ile (NM_057165.5, NM_057167.4); c.1628A>T, p.Asn543Ile (NM_057166.5); short protein forms N1150I, N543I, N743I, N944I.
Identifiers: ClinVar variation 4705520 (VCV004705520.1).

ClinVar aggregate classification (germline): Uncertain significance (1 of 4 stars; one submission).

Conditions:
Bethlem myopathy 1A. Also called: MYOPATHY, BENIGN CONGENITAL, WITH CONTRACTURES; Bethlem myopathy 1; Bethlem Muscular Dystrophy. Identifiers: Orphanet 610, MedGen CN029274, MONDO:0024530, OMIM 158810.

Submission:

Labcorp Genetics (formerly Invitae), Labcorp
Classification: Uncertain significance for Bethlem myopathy 1A. Last evaluated: 2025-09-08. Review status: criteria provided, single submitter. Criteria: Invitae Variant Classification Sherloc (09022015). Collection method: clinical testing. Allele origin: germline.
Comment: This sequence change replaces asparagine, which is neutral and polar, with isoleucine, which is neutral and non-polar, at codon 1150 of the COL6A3 protein (p.Asn1150Ile). This variant is not present in population databases (gnomAD no frequency). This variant has not been reported in the literature in individuals affected with COL6A3-related conditions. Invitae Evidence Modeling of protein sequence and biophysical properties (such as structural, functional, and spatial information, amino acid conservation, physicochemical variation, residue mobility, and thermodynamic stability) indicates that this missense variant is not expected to disrupt COL6A3 protein function with a negative predictive value of 80%. In summary, the available evidence is currently insufficient to determine the role of this variant in disease. Therefore, it has been classified as a Variant of Uncertain Significance.